The following is an entry in ClinVar:

NM_022124.6(CDH23):c.7121C>T (p.Ala2374Val)

Gene: CDH23 (cadherin related 23; plus strand). Cytogenetic location: 10q22.1.
Variant type: single nucleotide variant.
Coding change: c.7121C>T on transcript NM_022124.6 (MANE Select); coding-DNA position 7121, C replaced by T.
Protein change: p.Ala2374Val; replaces alanine 2374 with valine.
Molecular consequence: missense variant.
Genome position (GRCh38, 1-based): chr10:71,799,177, C>T. VCF-style: chr10-71799177-C-T. GRCh37 (hg19) VCF-style: chr10-73558934-C-T.
Other names: c.401C>T, p.Ala134Val (NM_001171933.1, NM_001171934.1); short protein forms A2374V, A134V.
Identifiers: ClinVar variation 2168936 (VCV002168936.4), dbSNP rs780829210, ClinGen allele CA5546268.

ClinVar aggregate classification (germline): Uncertain significance (1 of 4 stars; one submission).

Allele frequency attached by ClinVar (database versions not stated): gnomAD exomes below 0.00001; ExAC 0.00001.
gnomAD v4.1: 1 of 1,614,042 alleles (0.000062%); highest among the groups gnomAD compares: South Asian, 0.0011%; no homozygotes.

Submission:

Labcorp Genetics (formerly Invitae), Labcorp
Classification: Uncertain significance. Last evaluated: 2022-11-22. Review status: criteria provided, single submitter. Criteria: Invitae Variant Classification Sherloc (09022015). Collection method: clinical testing. Allele origin: germline.
Comment: In summary, the available evidence is currently insufficient to determine the role of this variant in disease. Therefore, it has been classified as a Variant of Uncertain Significance. Advanced modeling of protein sequence and biophysical properties (such as structural, functional, and spatial information, amino acid conservation, physicochemical variation, residue mobility, and thermodynamic stability) performed at Invitae indicates that this missense variant is not expected to disrupt CDH23 protein function. This variant has not been reported in the literature in individuals affected with CDH23-related conditions. This variant is present in population databases (rs780829210, gnomAD 0.003%). This sequence change replaces alanine, which is neutral and non-polar, with valine, which is neutral and non-polar, at codon 2374 of the CDH23 protein (p.Ala2374Val).